The following is an entry in ClinVar:

NM_177531.6(PKHD1L1):c.1553G>A (p.Trp518Ter)

Gene: PKHD1L1 (PKHD1 like 1; plus strand). Cytogenetic location: 8q23.1.
Variant type: single nucleotide variant.
Coding change: c.1553G>A on transcript NM_177531.6 (MANE Select); coding-DNA position 1553, G replaced by A.
Protein change: p.Trp518Ter; replaces tryptophan 518 with a stop codon.
Molecular consequence: nonsense.
Genome position (GRCh38, 1-based): chr8:109,405,014, G>A. VCF-style: chr8-109405014-G-A. GRCh37 (hg19) VCF-style: chr8-110417243-G-A.
Other names: short protein forms W518*.
Identifiers: ClinVar variation 4845730 (VCV004845730.1).

ClinVar aggregate classification (germline): Likely pathogenic (1 of 4 stars; one submission).

Conditions:
Autosomal recessive nonsyndromic hearing loss 124. Also called: DEAFNESS, AUTOSOMAL RECESSIVE 124. Identifiers: MedGen C5935612, MONDO:0968981, OMIM 620794.

Submission:

First Genomix Gene Laboratory, Genetic Diagnostics Department
Classification: Likely pathogenic for Autosomal recessive nonsyndromic hearing loss 124. Last evaluated: 2025-01-03. Review status: criteria provided, single submitter. Criteria: ACMG Guidelines, 2015. Collection method: clinical testing. Allele origin: germline. Inheritance: Autosomal recessive inheritance. Affected: no. Observed: 1 variant allele.